The following is an entry in ClinVar:

ClinVar aggregate classification (germline): Uncertain significance. Review status: criteria provided, multiple submitters, no conflicts (2 of 4 stars). 2 submissions from 2 submitters: Uncertain significance (2). Last evaluated 2025-03-29.

Conditions:
Inborn genetic diseases. Identifiers: MedGen C0950123, MeSH D030342.

Allele frequency attached by ClinVar (database versions not stated): ExAC 0.00001.
gnomAD v4.1: 13 of 1,613,266 alleles (0.00081%); highest among the groups gnomAD compares: South Asian, 0.0033%; no homozygotes.

Submissions (2):

Labcorp Genetics (formerly Invitae), Labcorp
Classification: Uncertain significance. Last evaluated: 2025-03-29. Review status: criteria provided, single submitter. Criteria: Invitae Variant Classification Sherloc (09022015). Collection method: clinical testing. Allele origin: germline.
Comment: This sequence change replaces arginine, which is basic and polar, with cysteine, which is neutral and slightly polar, at codon 890 of the POLR3B protein (p.Arg890Cys). This variant is present in population databases (rs778812401, gnomAD 0.006%). This variant has not been reported in the literature in individuals affected with POLR3B-related conditions. ClinVar contains an entry for this variant (Variation ID: 2333851). Invitae Evidence Modeling of protein sequence and biophysical properties (such as structural, functional, and spatial information, amino acid conservation, physicochemical variation, residue mobility, and thermodynamic stability) indicates that this missense variant is expected to disrupt POLR3B protein function with a positive predictive value of 80%. This variant disrupts the p.Arg890 amino acid residue in POLR3B. Other variant(s) that disrupt this residue have been determined to be pathogenic (PMID: 31577365; internal data). This suggests that this residue is clinically significant, and that variants that disrupt this residue are likely to be disease-causing. In summary, the available evidence is currently insufficient to determine the role of this variant in disease. Therefore, it has been classified as a Variant of Uncertain Significance.

Ambry Genetics
Classification: Uncertain significance for Inborn genetic diseases. Last evaluated: 2022-12-06. Review status: criteria provided, single submitter. Criteria: Ambry Variant Classification Scheme 2023. Collection method: clinical testing. Allele origin: germline.

Literature cited by the submitters: PubMed 31577365 (cited by Labcorp Genetics (formerly Invitae), Labcorp).

NM_018082.6(POLR3B):c.2668C>T (p.Arg890Cys)

Gene: POLR3B (RNA polymerase III subunit B; plus strand). Cytogenetic location: 12q23.3.
Variant type: single nucleotide variant.
Coding change: c.2668C>T on transcript NM_018082.6 (MANE Select); coding-DNA position 2668, C replaced by T.
Protein change: p.Arg890Cys; replaces arginine 890 with cysteine.
Molecular consequence: missense variant.
Genome position (GRCh38, 1-based): chr12:106,463,575, C>T. VCF-style: chr12-106463575-C-T. GRCh37 (hg19) VCF-style: chr12-106857353-C-T.
Other names: c.2494C>T, p.Arg832Cys (NM_001160708.2); short protein forms R832C, R890C.
Identifiers: ClinVar variation 2333851 (VCV002333851.3), dbSNP rs778812401, ClinGen allele CA6762248.